The following is an entry in ClinVar:

ClinVar aggregate classification (germline): Uncertain significance (1 of 4 stars; one submission).

Conditions:
Reticular dysgenesis. Also called: ALEUKOCYTOSIS; CONGENITAL ALEUKIA; HEMATOPOIETIC HYPOPLASIA, GENERALIZED; RETICULAR DYSGENESIA; SEVERE COMBINED IMMUNODEFICIENCY WITH LEUKOPENIA; DeVaal disease. Identifiers: Orphanet 33355, MedGen C0272167, MONDO:0009973, OMIM 267500.

Allele frequency attached by ClinVar (database versions not stated): gnomAD 0.00001; gnomAD exomes 0.00001 and 0.00002; ExAC 0.00002; ESP Exome Variant Server 0.00008.
gnomAD v4.1: 33 of 1,614,068 alleles (0.002%); highest among the groups gnomAD compares: East Asian, 0.0045%; no homozygotes.

Submission:

Labcorp Genetics (formerly Invitae), Labcorp
Classification: Uncertain significance for Reticular dysgenesis. Last evaluated: 2022-02-10. Review status: criteria provided, single submitter. Criteria: Invitae Variant Classification Sherloc (09022015). Collection method: clinical testing. Allele origin: germline.
Comment: ClinVar contains an entry for this variant (Variation ID: 998950). In summary, the available evidence is currently insufficient to determine the role of this variant in disease. Therefore, it has been classified as a Variant of Uncertain Significance. Algorithms developed to predict the effect of missense changes on protein structure and function are either unavailable or do not agree on the potential impact of this missense change (SIFT: "Deleterious"; PolyPhen-2: "Probably Damaging"; Align-GVGD: "Class C0"). This variant has not been reported in the literature in individuals affected with AK2-related conditions. This variant is present in population databases (rs370429097, gnomAD 0.007%). This sequence change replaces arginine, which is basic and polar, with tryptophan, which is neutral and slightly polar, at codon 204 of the AK2 protein (p.Arg204Trp).

NM_001625.4(AK2):c.610C>T (p.Arg204Trp)

Gene: AK2 (adenylate kinase 2; minus strand). Cytogenetic location: 1p35.1.
Variant type: single nucleotide variant.
Coding change: c.610C>T on transcript NM_001625.4 (MANE Select); coding-DNA position 610, C replaced by T.
Protein change: p.Arg204Trp; replaces arginine 204 with tryptophan.
Molecular consequence: missense variant. On other transcripts: 3 prime UTR variant (1), non-coding transcript variant (1).
Genome position (GRCh38, 1-based): chr1:33,013,291, G>A on the plus strand (C>T on the coding strand, the complement: AK2 is on the minus strand). VCF-style: chr1-33013291-G-A. GRCh37 (hg19) VCF-style: chr1-33478892-G-A.
Other names: c.586C>T, p.Arg196Trp (NM_001199199.3); c.466C>T, p.Arg156Trp (NM_001319139.3, NM_001319140.2); c.610C>T, p.Arg204Trp (NM_001319141.3, NM_013411.5); c.484C>T, p.Arg162Trp (NM_001319142.3); c.*113C>T (NM_001319143.2); short protein forms R156W, R162W, R196W, R204W.
Identifiers: ClinVar variation 998950 (VCV000998950.8), dbSNP rs370429097, ClinGen allele CA747059.